The following is an entry in ClinVar:

NM_022124.6(CDH23):c.8394C>G (p.Ile2798Met)

Gene: CDH23 (cadherin related 23; plus strand). Cytogenetic location: 10q22.1.
Variant type: single nucleotide variant.
Coding change: c.8394C>G on transcript NM_022124.6 (MANE Select); coding-DNA position 8394, C replaced by G.
Protein change: p.Ile2798Met; replaces isoleucine 2798 with methionine.
Molecular consequence: missense variant.
Genome position (GRCh38, 1-based): chr10:71,807,601, C>G. VCF-style: chr10-71807601-C-G. GRCh37 (hg19) VCF-style: chr10-73567358-C-G.
Other names: c.1674C>G, p.Ile558Met (NM_001171933.1, NM_001171934.1); short protein forms I558M, I2798M.
Identifiers: ClinVar variation 1397592 (VCV001397592.5), dbSNP rs765672191, ClinGen allele CA5546642.

ClinVar aggregate classification (germline): Uncertain significance (1 of 4 stars; one submission).

Allele frequency attached by ClinVar (database versions not stated): gnomAD 0.00001; gnomAD exomes 0.00004; ExAC 0.00005.
gnomAD v4.1: 23 of 1,613,868 alleles (0.0014%); highest among the groups gnomAD compares: East Asian, 0.051%; no homozygotes.

Submission:

Labcorp Genetics (formerly Invitae), Labcorp
Classification: Uncertain significance. Last evaluated: 2022-03-16. Review status: criteria provided, single submitter. Criteria: Invitae Variant Classification Sherloc (09022015). Collection method: clinical testing. Allele origin: germline.
Comment: This sequence change replaces isoleucine, which is neutral and non-polar, with methionine, which is neutral and non-polar, at codon 2798 of the CDH23 protein (p.Ile2798Met). This variant is present in population databases (rs765672191, gnomAD 0.05%). This variant has not been reported in the literature in individuals affected with CDH23-related conditions. Algorithms developed to predict the effect of missense changes on protein structure and function are either unavailable or do not agree on the potential impact of this missense change (SIFT: "Deleterious"; PolyPhen-2: "Not Available"; Align-GVGD: "Class C0"). In summary, the available evidence is currently insufficient to determine the role of this variant in disease. Therefore, it has been classified as a Variant of Uncertain Significance.